The following is an entry in ClinVar:

NM_005228.5(EGFR):c.19G>C (p.Ala7Pro)

Gene: EGFR (epidermal growth factor receptor; plus strand). Cytogenetic location: 7p11.2.
Variant type: single nucleotide variant.
Coding change: c.19G>C on transcript NM_005228.5 (MANE Select); coding-DNA position 19, G replaced by C.
Protein change: p.Ala7Pro; replaces alanine 7 with proline.
Molecular consequence: missense variant.
Genome position (GRCh38, 1-based): chr7:55,019,296, G>C. VCF-style: chr7-55019296-G-C. GRCh37 (hg19) VCF-style: chr7-55086989-G-C.
Other names: c.19G>C, p.Ala7Pro (NM_001346897.2, NM_001346898.2, NM_001346899.2 and 4 more transcripts); c.19G>C (NM_005228.4); short protein forms A7P.
Identifiers: ClinVar variation 847793 (VCV000847793.14), dbSNP rs761183109, ClinGen allele CA4265103.

ClinVar aggregate classification (germline): Uncertain significance. Review status: criteria provided, multiple submitters, no conflicts (2 of 4 stars). 5 submissions from 5 submitters: Uncertain significance (5). Last evaluated 2026-01-12.

Conditions:
EGFR-related disorder. Also called: EGFR-related condition.
Hereditary cancer-predisposing syndrome. Also called: Neoplastic Syndromes, Hereditary; Hereditary Cancer Syndrome; Tumor predisposition; Hereditary neoplastic syndrome. Identifiers: Orphanet 140162, MedGen C0027672, MeSH D009386, MONDO:0015356.
EGFR-related lung cancer (EGFR). Identifiers: MedGen CN130014.

Allele frequency attached by ClinVar (database versions not stated): gnomAD 0.00001; TOPMed 0.00001.
gnomAD v4.1: 32 of 1,511,202 alleles (0.0021%); highest among the groups gnomAD compares: South Asian, 0.023%; no homozygotes.

Submissions (5):

Labcorp Genetics (formerly Invitae), Labcorp
Classification: Uncertain significance for EGFR-related lung cancer. Last evaluated: 2026-01-12. Review status: criteria provided, single submitter. Criteria: Invitae Variant Classification Sherloc (09022015). Collection method: clinical testing. Allele origin: germline.
Comment: This sequence change replaces alanine, which is neutral and non-polar, with proline, which is neutral and non-polar, at codon 7 of the EGFR protein (p.Ala7Pro). This variant is present in population databases (rs761183109, gnomAD 0.02%). This variant has not been reported in the literature in individuals affected with EGFR-related conditions. ClinVar contains an entry for this variant (Variation ID: 847793). An algorithm developed to predict the effect of missense changes on protein structure and function (PolyPhen-2) suggests that this variant is likely to be tolerated. In summary, the available evidence is currently insufficient to determine the role of this variant in disease. Therefore, it has been classified as a Variant of Uncertain Significance.

PreventionGenetics, part of Exact Sciences
Classification: Uncertain significance for EGFR-related condition. Last evaluated: 2025-03-31. Review status: criteria provided, single submitter. Criteria: ACMG Guidelines, 2015. Collection method: clinical testing. Allele origin: germline.
Comment: The EGFR c.19G>C variant is predicted to result in the amino acid substitution p.Ala7Pro. To our knowledge, this variant has not been reported in the literature. This variant is reported in 7 alleles out of 162174 alleles in gnomAD. This variant is interpreted as a variant of uncertain significance in ClinVar. At this time, the clinical significance of this variant is uncertain due to the absence of conclusive functional and genetic evidence.

Ambry Genetics
Classification: Uncertain significance for Hereditary cancer-predisposing syndrome. Last evaluated: 2025-03-12. Review status: criteria provided, single submitter. Criteria: Ambry Variant Classification Scheme 2023. Collection method: clinical testing. Allele origin: germline.
Comment: The p.A7P variant (also known as c.19G>C), located in coding exon 1 of the EGFR gene, results from a G to C substitution at nucleotide position 19. The alanine at codon 7 is replaced by proline, an amino acid with highly similar properties. This amino acid position is poorly conserved in available vertebrate species. In addition, this alteration is predicted to be tolerated by in silico analysis. Based on the available evidence, the clinical significance of this variant remains unclear.

Sema4
Classification: Uncertain significance for Hereditary cancer-predisposing syndrome. Last evaluated: 2022-01-14. Review status: criteria provided, single submitter. Criteria: Sema4 Curation Guidelines. Collection method: curation. Allele origin: germline.
Comment: The EGFR c.19G>C (p.A7P) variant has not been reported in the literature to our knowledge. It was observed in 5/23158 chromosomes of the South Asian subpopulation in the large and broad cohorts of the Genome Aggregation Database (PMID: 32461654). The variant has been reported in ClinVar (Variation ID 847793). Functional studies have not been performed, and in silico predictions of the variant's effect on protein function are inconclusive. The evidence is insufficient to meet ACMG/AMP criteria for classifying the variant as benign or pathogenic. Thus, the clinical significance of this variant is currently uncertain.

Institute for Clinical Genetics, University Hospital TU Dresden, University Hospital TU Dresden
Classification: Uncertain significance. Last evaluated: 2021-11-03. Review status: criteria provided, single submitter. Criteria: ACMG Guidelines, 2015. Collection method: clinical testing. Allele origin: germline.